The following is an entry in ClinVar:

ClinVar aggregate classification (germline): Benign. Review status: criteria provided, single submitter (1 of 4 stars). 2 submissions from 2 submitters: Benign (1). 1 of the submissions does not count toward it. Last evaluated 2026-09-01.

Conditions:
CACNA1I-related disorder. Also called: CACNA1I-related condition.

Allele frequency attached by ClinVar (database versions not stated): 1000 Genomes Project 30x 0.00344; ESP Exome Variant Server 0.00828; 1000 Genomes Project 0.00339; TOPMed 0.00856; gnomAD 0.00901; gnomAD exomes 0.01175; ExAC 0.01669.
gnomAD v4.1: 18,245 of 1,596,450 alleles (1.1%); highest among the groups gnomAD compares: Non-Finnish European, 1.3%; 136 homozygotes.

Submissions (4):

CeGaT Center for Human Genetics Tuebingen
Classification: Benign. Last evaluated: 2026-09-01. Review status: criteria provided, single submitter. Criteria: CeGaT Center For Human Genetics Tuebingen Variant Classification Criteria Version 2. Collection method: clinical testing. Allele origin: germline. Affected: yes. Observed: 11 variant alleles.
Comment: CACNA1I: BP4, BP7, BS1, BS2

PreventionGenetics, part of Exact Sciences
Classification: Benign for CACNA1I-related condition. Last evaluated: 2024-07-09. Review status: no assertion criteria provided. Collection method: clinical testing. Allele origin: germline. Not counted in ClinVar's aggregate classification.
Comment: This variant is classified as benign based on ACMG/AMP sequence variant interpretation guidelines (Richards et al. 2015 PMID: 25741868, with internal and published modifications).

Dr. Peter K. Rogan Lab, Western University
No classification provided (evidence only). Condition: Gastric cancer. Review status: no classification provided. Collection method: in vitro. Allele origin: not applicable. Functional consequence: retained intron. Not counted in ClinVar's aggregate classification.

Dr. Peter K. Rogan Lab, Western University
No classification provided (evidence only). Condition: Adrenocortical carcinoma, hereditary. Review status: no classification provided. Collection method: in vitro. Allele origin: not applicable. Functional consequence: retained intron. Not counted in ClinVar's aggregate classification.

NM_021096.4(CACNA1I):c.1296C>T (p.Gly432=)

Gene: CACNA1I (calcium voltage-gated channel subunit alpha1 I; plus strand). Cytogenetic location: 22q13.1.
Variant type: single nucleotide variant.
Coding change: c.1296C>T on transcript NM_021096.4 (MANE Select); coding-DNA position 1296, C replaced by T.
Protein change: p.Gly432=; no amino-acid change (glycine 432 retained).
Molecular consequence: synonymous variant.
Genome position (GRCh38, 1-based): chr22:39,646,715, C>T. VCF-style: chr22-39646715-C-T. GRCh37 (hg19) VCF-style: chr22-40042720-C-T.
Other names: NC_000022.10:g.40042720C>T; c.1296C>T, p.Gly432= (NM_001003406.2); c.1296C>T (NM_021096.3).
Identifiers: ClinVar variation 2653152 (VCV002653152.25), dbSNP rs61623451, ClinGen allele CA10243808.
Genomic context (GRCh38, chr22:39,646,715, plus strand): 5'-GCTGGAGCAGCGGCAGCGCTACCTGTCCTCCAGCACGGTGGCCAGCTACGCCGAGCCTGG[C>T]GACTGCTACGAGGAGATCTTCCAGTATGTCTGCCACATCCTGCGCAAGGCCAAGCGCCGC-3'
Protein context (NP_066919.2, residues 422-442): SSTVASYAEP[Gly432=]DCYEEIFQYV